The following is an entry in ClinVar:

NM_004539.4(NARS1):c.866A>G (p.Tyr289Cys)

Gene: NARS1 (asparaginyl-tRNA synthetase 1; minus strand). Cytogenetic location: 18q21.31.
Variant type: single nucleotide variant.
Coding change: c.866A>G on transcript NM_004539.4 (MANE Select); coding-DNA position 866, A replaced by G.
Protein change: p.Tyr289Cys; replaces tyrosine 289 with cysteine.
Molecular consequence: missense variant.
Genome position (GRCh38, 1-based): chr18:57,607,269, T>C on the plus strand (A>G on the coding strand, the complement: NARS1 is on the minus strand). VCF-style: chr18-57607269-T-C. GRCh37 (hg19) VCF-style: chr18-55274501-T-C.
Other names: short protein forms Y289C.
Identifiers: ClinVar variation 4077071 (VCV004077071.1).
Genomic context (GRCh38, chr18:57,607,269, plus strand): 5'-GGGAGGCAGGTCTCCAAGTACAACTGAGAGGATTGAGTCAAAAATGCCTCTTCCCCAAAA[T>C]AGTCAAGCTTGAAGAGTGTGGCACCACCTTCTACTTGTGTTTGCACTAATGTTGGAGGAG-3'
Protein context (NP_004530.1, residues 279-299): EGGATLFKLD[Tyr289Cys]FGEEAFLTQS

ClinVar aggregate classification (germline): Uncertain significance (1 of 4 stars; one submission).

Conditions:
Neurodevelopmental disorder with microcephaly, impaired language, and gait abnormalities. Identifiers: MedGen C5436783, MONDO:0100348, OMIM 619091.

gnomAD v4.1: 28 of 1,614,142 alleles (0.0017%); highest among the groups gnomAD compares: East Asian, 0.0045%; no homozygotes.

Submission:

MVZ Medizinische Genetik Mainz
Classification: Uncertain significance for Neurodevelopmental disorder with microcephaly, impaired language, and gait abnormalities. Last evaluated: 2025-08-13. Review status: criteria provided, single submitter. Criteria: UK Practice Guidelines For Variant Classification V4 01 2020. Collection method: clinical testing. Allele origin: germline. Inheritance: Autosomal recessive inheritance. Affected: yes. Observed: 1 variant allele.
Comment: ACMG Criteria: PM1_SUP,PM2_SUP,PP3